The following is an entry in ClinVar:

ClinVar aggregate classification (germline): Conflicting classifications of pathogenicity. Review status: criteria provided, conflicting classifications (1 of 4 stars). 6 submissions from 6 submitters: Uncertain significance (1); Benign (3); Likely benign (2). Last evaluated 2026-02-01.

Conditions:
Weill-Marchesani syndrome. Also called: WM Syndrome; Mesodermal dysmorphodystrophy congenital. Identifiers: Orphanet 3449, MedGen C0265313, MONDO:0018096.

Allele frequency attached by ClinVar (database versions not stated): 1000 Genomes Project 30x 0.00031; TOPMed 0.00114; ExAC 0.00119; gnomAD exomes 0.00121 and 0.00150; gnomAD 0.00128 and 0.00133; ESP Exome Variant Server 0.00154.
gnomAD v4.1: 2,356 of 1,613,512 alleles (0.15%); highest among the groups gnomAD compares: Non-Finnish European, 0.18%; 8 homozygotes.

Submissions (6):

CeGaT Center for Human Genetics Tuebingen
Classification: Benign. Last evaluated: 2026-02-01. Review status: criteria provided, single submitter. Criteria: CeGaT Center For Human Genetics Tuebingen Variant Classification Criteria Version 2. Collection method: clinical testing. Allele origin: germline. Affected: yes. Observed: 2 variant alleles.
Comment: ADAMTS10: BS1, BS2

Labcorp Genetics (formerly Invitae), Labcorp
Classification: Benign. Last evaluated: 2026-02-01. Review status: criteria provided, single submitter. Criteria: Invitae Variant Classification Sherloc (09022015). Collection method: clinical testing. Allele origin: germline.

Blueprint Genetics
Classification: Likely benign. Last evaluated: 2024-11-25. Review status: criteria provided, single submitter. Criteria: ACMG Guidelines, 2015. Collection method: clinical testing. Allele origin: germline.

Mayo Clinic Laboratories, Mayo Clinic
Classification: Benign. Last evaluated: 2024-11-11. Review status: criteria provided, single submitter. Criteria: ACMG Guidelines, 2015. Collection method: clinical testing. Allele origin: germline. Observed: 2 variant alleles.
Comment: BS1, BS2, BP4, BP7

GeneDx
Classification: Likely benign. Last evaluated: 2019-08-12. Review status: criteria provided, single submitter. Criteria: GeneDx Variant Classification Process June 2021. Collection method: clinical testing. Allele origin: germline. Affected: yes.

Illumina Laboratory Services, Illumina
Classification: Uncertain significance for Weill-Marchesani syndrome. Last evaluated: 2018-01-12. Review status: criteria provided, single submitter. Criteria: ICSL Variant Classification Criteria 13 December 2019. Collection method: clinical testing. Allele origin: germline.

NM_030957.4(ADAMTS10):c.1719C>T (p.His573=)

Gene: ADAMTS10 (ADAM metallopeptidase with thrombospondin type 1 motif 10; minus strand). Cytogenetic location: 19p13.2.
Variant type: single nucleotide variant.
Coding change: c.1719C>T on transcript NM_030957.4 (MANE Select); coding-DNA position 1719, C replaced by T.
Protein change: p.His573=; no amino-acid change (histidine 573 retained).
Molecular consequence: synonymous variant. On other transcripts: missense variant (1).
Genome position (GRCh38, 1-based): chr19:8,591,972, G>A on the plus strand (C>T on the coding strand, the complement: ADAMTS10 is on the minus strand). VCF-style: chr19-8591972-G-A. GRCh37 (hg19) VCF-style: chr19-8656856-G-A.
Other names: p.His573=; c.191C>T, p.Thr64Ile (NM_001282352.2); short protein forms T64I.
Identifiers: ClinVar variation 744760 (VCV000744760.46), dbSNP rs142320702, ClinGen allele CA9160410.